The following is an entry in ClinVar:

ClinVar aggregate classification (germline): Uncertain significance. Review status: criteria provided, multiple submitters, no conflicts (2 of 4 stars). 2 submissions from 2 submitters: Uncertain significance (2). Last evaluated 2022-06-28.

Conditions:
Inborn genetic diseases. Identifiers: MedGen C0950123, MeSH D030342.
MEGF10-related myopathy (CMYO10A). Also called: Congenital myopathy 10A, severe variant. Identifiers: Orphanet 439212, MedGen C3280679, MONDO:0013731, OMIM 614399.

Allele frequency attached by ClinVar (database versions not stated): gnomAD exomes below 0.00001.
gnomAD v4.1: 2 of 1,614,070 alleles (0.00012%); highest among the groups gnomAD compares: Admixed American, 0.0017%; no homozygotes.

Submissions (2):

Ambry Genetics
Classification: Uncertain significance for Inborn genetic diseases. Last evaluated: 2022-06-28. Review status: criteria provided, single submitter. Criteria: Ambry Variant Classification Scheme 2023. Collection method: clinical testing. Allele origin: germline.

Labcorp Genetics (formerly Invitae), Labcorp
Classification: Uncertain significance for MEGF10-related myopathy. Last evaluated: 2022-02-05. Review status: criteria provided, single submitter. Criteria: Invitae Variant Classification Sherloc (09022015). Collection method: clinical testing. Allele origin: germline.
Comment: ClinVar contains an entry for this variant (Variation ID: 647294). This variant has not been reported in the literature in individuals affected with MEGF10-related conditions. This variant is present in population databases (no rsID available, gnomAD 0.003%). This sequence change replaces arginine, which is basic and polar, with isoleucine, which is neutral and non-polar, at codon 686 of the MEGF10 protein (p.Arg686Ile). Algorithms developed to predict the effect of missense changes on protein structure and function are either unavailable or do not agree on the potential impact of this missense change (SIFT: "Deleterious"; PolyPhen-2: "Benign"; Align-GVGD: "Class C0"). In summary, the available evidence is currently insufficient to determine the role of this variant in disease. Therefore, it has been classified as a Variant of Uncertain Significance.

NM_001256545.2(MEGF10):c.2057G>T (p.Arg686Ile)

Gene: MEGF10 (multiple EGF like domains 10; plus strand). Cytogenetic location: 5q23.2.
Variant type: single nucleotide variant.
Coding change: c.2057G>T on transcript NM_001256545.2 (MANE Select); coding-DNA position 2057, G replaced by T.
Protein change: p.Arg686Ile; replaces arginine 686 with isoleucine.
Molecular consequence: missense variant.
Genome position (GRCh38, 1-based): chr5:127,435,442, G>T. VCF-style: chr5-127435442-G-T. GRCh37 (hg19) VCF-style: chr5-126771134-G-T.
Other names: c.2057G>T, p.Arg686Ile (NM_032446.3); short protein forms R686I.
Identifiers: ClinVar variation 647294 (VCV000647294.10), dbSNP rs1448285273, ClinGen allele CA360732638.